The following is an entry in ClinVar:

ClinVar aggregate classification (germline): Uncertain significance (1 of 4 stars; one submission).

Conditions:
Deficiency of butyryl-CoA dehydrogenase (ACADSD). Also called: SCAD DEFICIENCY, MILD; ACYL-CoA DEHYDROGENASE, SHORT-CHAIN, DEFICIENCY OF; SCADH DEFICIENCY; ACADS DEFICIENCY; Short-Chain Acyl-CoA Dehydrogenase Deficiency; SCAD Deficiency. Identifiers: Orphanet 26792, MedGen C0342783, MONDO:0008722, OMIM 201470. Disease mechanism: May be benign.

Submission:

Labcorp Genetics (formerly Invitae), Labcorp
Classification: Uncertain significance for Deficiency of butyryl-CoA dehydrogenase. Last evaluated: 2018-03-25. Review status: criteria provided, single submitter. Criteria: Invitae Variant Classification Sherloc (09022015). Collection method: clinical testing. Allele origin: germline.
Comment: This sequence change affects the initiator methionine of the ACADS mRNA. The next in-frame methionine is located at codon 74. This variant has not been reported in the literature in individuals with ACADS-related disease. The current clinical and genetic evidence is not sufficient to establish whether loss-of-function variants in ACADS cause disease. In summary, the available evidence is currently insufficient to determine the role of this variant in disease. Therefore, it has been classified as a Variant of Uncertain Significance. A different variant, c.2T>C, affecting the initiator methionine of the ACADS mRNA has been reported in combination with another ACADS variant in an individual affected with SCAD deficiency (PMID:¬†18523805). Experiments using SDS-PAGE gels and engineered c.2T>C cDNA showed that a truncated protein was produced, presumably using an in-frame methionine at residue 40 (PMID:¬†18523805).

NC_000012.12:g.(?_120725866)_(120727209_?)del

Gene: ACADS (acyl-CoA dehydrogenase short chain; plus strand). Cytogenetic location: 12q24.31.
Variant type: Deletion.
Identifiers: ClinVar variation 583562 (VCV000583562.8).